The following is an entry in ClinVar:

ClinVar aggregate classification (germline): Conflicting classifications of pathogenicity. Review status: criteria provided, conflicting classifications (1 of 4 stars). 4 submissions from 4 submitters: Uncertain significance (3); Likely benign (1). Last evaluated 2025-06-12.

Conditions:
Imerslund-Grasbeck syndrome type 1 (IGS1). Also called: Imerslund-Gräsbeck syndrome 1; Megaloblastic anemia 1, Finnish type; MEGALOBLASTIC ANEMIA, 1. Identifiers: MedGen C4016819, MONDO:0100156, OMIM 261100.
Proteinuria, chronic benign. Identifiers: MedGen C5394384, MONDO:0030042, OMIM 618884.
Inborn genetic diseases. Identifiers: MedGen C0950123, MeSH D030342.
Imerslund-Grasbeck syndrome. Also called: ENTEROCYTE COBALAMIN MALABSORPTION; ENTEROCYTE INTRINSIC FACTOR RECEPTOR, DEFECT OF; PERNICIOUS ANEMIA, JUVENILE, DUE TO SELECTIVE INTESTINAL MALABSORPTION OF VITAMIN B12, WITH PROTEINURIA; Imerslund-Gräsbeck syndrome; Megaloblastic anemia due to inborn errors of metabolism. Identifiers: Orphanet 35858, MedGen C4551825, MONDO:0009853.

Allele frequency attached by ClinVar (database versions not stated): 1000 Genomes Project 0.00020; ExAC 0.00002; gnomAD 0.00007; ESP Exome Variant Server 0.00008; gnomAD exomes 0.00001; TOPMed 0.00008; 1000 Genomes Project 30x 0.00031.
gnomAD v4.1: 23 of 1,613,814 alleles (0.0014%); highest among the groups gnomAD compares: Middle Eastern, 0.016%; no homozygotes.

Submissions (4):

Labcorp Genetics (formerly Invitae), Labcorp
Classification: Uncertain significance for Imerslund-Grasbeck syndrome. Last evaluated: 2025-06-12. Review status: criteria provided, single submitter. Criteria: Invitae Variant Classification Sherloc (09022015). Collection method: clinical testing. Allele origin: germline.
Comment: This sequence change replaces isoleucine, which is neutral and non-polar, with valine, which is neutral and non-polar, at codon 956 of the CUBN protein (p.Ile956Val). This variant is present in population databases (rs141859334, gnomAD 0.03%). This variant has not been reported in the literature in individuals affected with CUBN-related conditions. ClinVar contains an entry for this variant (Variation ID: 2185760). Invitae Evidence Modeling of protein sequence and biophysical properties (such as structural, functional, and spatial information, amino acid conservation, physicochemical variation, residue mobility, and thermodynamic stability) indicates that this missense variant is not expected to disrupt CUBN protein function with a negative predictive value of 80%. In summary, the available evidence is currently insufficient to determine the role of this variant in disease. Therefore, it has been classified as a Variant of Uncertain Significance.

Fulgent Genetics
Classification: Uncertain significance for Imerslund-Grasbeck syndrome type 1; Proteinuria, chronic benign. Last evaluated: 2024-06-21. Review status: criteria provided, single submitter. Criteria: ACMG Guidelines, 2015. Collection method: clinical testing. Allele origin: germline.

Ambry Genetics
Classification: Likely benign for Inborn genetic diseases. Last evaluated: 2024-03-31. Review status: criteria provided, single submitter. Criteria: Ambry Variant Classification Scheme 2023. Collection method: clinical testing. Allele origin: germline.

Revvity Omics, Revvity
Classification: Uncertain significance. Last evaluated: 2020-03-20. Review status: criteria provided, single submitter. Criteria: ACMG Guidelines, 2015. Collection method: clinical testing. Allele origin: germline.

NM_001081.4(CUBN):c.2866A>G (p.Ile956Val)

Gene: CUBN (cubilin; minus strand). Cytogenetic location: 10p13.
Variant type: single nucleotide variant.
Coding change: c.2866A>G on transcript NM_001081.4 (MANE Select); coding-DNA position 2866, A replaced by G.
Protein change: p.Ile956Val; replaces isoleucine 956 with valine.
Molecular consequence: missense variant.
Genome position (GRCh38, 1-based): chr10:17,068,206, T>C on the plus strand (A>G on the coding strand, the complement: CUBN is on the minus strand). VCF-style: chr10-17068206-T-C. GRCh37 (hg19) VCF-style: chr10-17110205-T-C.
Other names: short protein forms I956V.
Identifiers: ClinVar variation 2185760 (VCV002185760.9), dbSNP rs141859334, ClinGen allele CA5424837.